The following is an entry in ClinVar:

ClinVar aggregate classification (germline): Uncertain significance (1 of 4 stars; one submission).

gnomAD v4.1: 1 of 1,613,880 alleles (0.000062%); highest among the groups gnomAD compares: Admixed American, 0.0017%; no homozygotes.

Submission:

GeneDx
Classification: Uncertain significance. Last evaluated: 2024-09-16. Review status: criteria provided, single submitter. Criteria: GeneDx Variant Classification Process June 2021. Collection method: clinical testing. Allele origin: germline. Affected: yes.
Comment: Not observed at significant frequency in large population cohorts (gnomAD); In silico analysis supports that this missense variant has a deleterious effect on protein structure/function; Has not been previously published as pathogenic or benign to our knowledge

NM_023036.6(DNAI2):c.179A>G (p.His60Arg)

Gene: DNAI2 (dynein axonemal intermediate chain 2; plus strand). Cytogenetic location: 17q25.1.
Variant type: single nucleotide variant.
Coding change: c.179A>G on transcript NM_023036.6 (MANE Select); coding-DNA position 179, A replaced by G.
Protein change: p.His60Arg; replaces histidine 60 with arginine.
Molecular consequence: missense variant. On other transcripts: non-coding transcript variant (1).
Genome position (GRCh38, 1-based): chr17:74,281,996, A>G. VCF-style: chr17-74281996-A-G. GRCh37 (hg19) VCF-style: chr17-72278135-A-G.
Other names: c.179A>G, p.His60Arg (NM_001172810.3, NM_001353167.2); short protein forms H60R.
Identifiers: ClinVar variation 3769774 (VCV003769774.1).
Genomic context (GRCh38, chr17:74,281,996, plus strand): 5'-AGTTCGTGGAGCGGAACCCAGTGGACACGGGCATCCAGTGCTCGATCAGCATGTCGGAAC[A>G]CGAGGTGGGTCCCTGCCCCAAGGGCCCTGGCCTGTCAGGTGTGGCCAGGCAGGGCGGCCA-3'
Protein context (NP_075462.3, residues 50-70): GIQCSISMSE[His60Arg]EANSERFEME